The following is an entry in ClinVar:

ClinVar aggregate classification (germline): Uncertain significance. Review status: criteria provided, multiple submitters, no conflicts (2 of 4 stars). 2 submissions from 2 submitters: Uncertain significance (2). Last evaluated 2024-07-22.

Allele frequency attached by ClinVar (database versions not stated): gnomAD exomes below 0.00001; gnomAD 0.00001; TOPMed 0.00001.
gnomAD v4.1: 4 of 1,613,884 alleles (0.00025%); highest among the groups gnomAD compares: Admixed American, 0.0067%; 1 homozygote.

Submissions (2):

Ambry Genetics
Classification: Uncertain significance. Last evaluated: 2024-07-22. Review status: criteria provided, single submitter. Criteria: Ambry Variant Classification Scheme 2023. Collection method: clinical testing. Allele origin: germline.

Women's Health and Genetics/Laboratory Corporation of America, LabCorp
Classification: Uncertain significance. Last evaluated: 2023-07-12. Review status: criteria provided, single submitter. Criteria: LabCorp Variant Classification Summary - May 2015. Collection method: clinical testing. Allele origin: germline.
Comment: Variant summary: EPB41L1 c.1318G>C (p.Ala440Pro) results in a non-conservative amino acid change located in the FERM adjacent domain (IPR014847) of the encoded protein sequence. Three of five in-silico tools predict a benign effect of the variant on protein function. The variant allele was found at a frequency of 8e-06 in 251264 control chromosomes in the gnomAD database, including 1 homozygote. The available data on variant occurrences in the general population are insufficient to allow any conclusion about variant significance. To our knowledge, no occurrence of c.1318G>C in individuals affected with Intellectual Disability, Autosomal Dominant 11 and no experimental evidence demonstrating its impact on protein function have been reported. No submitters have cited clinical-significance assessments for this variant to ClinVar after 2014. Based on the evidence outlined above, the variant was classified as uncertain significance.

NM_012156.2(EPB41L1):c.1318G>C (p.Ala440Pro)

Gene: EPB41L1 (erythrocyte membrane protein band 4.1 like 1; plus strand). Cytogenetic location: 20q11.23.
Variant type: single nucleotide variant.
Coding change: c.1318G>C on transcript NM_012156.2 (MANE Select); coding-DNA position 1318, G replaced by C.
Protein change: p.Ala440Pro; replaces alanine 440 with proline.
Molecular consequence: missense variant.
Genome position (GRCh38, 1-based): chr20:36,194,229, G>C. VCF-style: chr20-36194229-G-C. GRCh37 (hg19) VCF-style: chr20-34782151-G-C.
Other names: c.1318G>C, p.Ala440Pro (NM_001258329.1); c.1225G>C, p.Ala409Pro (NM_001258330.1); c.1132G>C, p.Ala378Pro (NM_001258331.2, NM_177996.2); short protein forms A378P, A409P, A440P.
Identifiers: ClinVar variation 2577083 (VCV002577083.2), dbSNP rs1431319771, ClinGen allele CA408924908.